The following is an entry in ClinVar:

NM_000295.5(SERPINA1):c.1135del (p.Ala379fs)

Gene: SERPINA1 (serpin family A member 1; minus strand). Cytogenetic location: 14q32.13.
Variant type: Deletion.
Coding change: c.1135del on transcript NM_000295.5 (MANE Select); coding-DNA position 1135, one base deleted (G; older notation c.1135delG).
Protein change: p.Ala379fs; shifts the reading frame from alanine 379.
Molecular consequence: frameshift variant.
Genome position (GRCh38, 1-based): chr14:94,378,571, C deleted on the plus strand (G on the coding strand, the reverse complement: SERPINA1 is on the minus strand); the first of 2 consecutive C bases (chr14:94,378,571-94,378,572); deleting either gives the same sequence. VCF-style (leftmost placement, unchanged base first): chr14-94378570-GC-G. GRCh37 (hg19) VCF-style: chr14-94844907-GC-G.
Other names: c.1135del, p.Ala379fs (NM_001002235.3, NM_001002236.3, NM_001127700.2 and 7 more transcripts); short protein forms A379fs.
Identifiers: ClinVar variation 3683122 (VCV003683122.2).
Genomic context (GRCh38, chr14:94,378,570, plus strand): 5'-ATCATTAAGAAGACAAAGGGTTTGTTGAACTTGACCTCGGGGGGGATAGACATGGGTATG[GC>G]CTCTAAAAACATGGCCCCAGCAGCTTCAGTCCCTTTCTCGTCGATGGTCAGCACAGCCTT-3'

ClinVar aggregate classification (germline): Pathogenic (1 of 4 stars; one submission).

Conditions:
Alpha-1-antitrypsin deficiency (A1ATD). Also called: AAT deficiency; A1AT deficiency; Alpha1-Antitrypsin Deficiency. Identifiers: Orphanet 60, MedGen C0221757, MONDO:0013282, OMIM 613490.

Submission:

Labcorp Genetics (formerly Invitae), Labcorp
Classification: Pathogenic for Alpha-1-antitrypsin deficiency. Last evaluated: 2024-02-11. Review status: criteria provided, single submitter. Criteria: Invitae Variant Classification Sherloc (09022015). Collection method: clinical testing. Allele origin: germline.
Comment: This sequence change creates a premature translational stop signal (p.Ala379Profs*19) in the SERPINA1 gene. While this is not anticipated to result in nonsense mediated decay, it is expected to disrupt the last 40 amino acid(s) of the SERPINA1 protein. This variant is not present in population databases (gnomAD no frequency). This variant has not been reported in the literature in individuals affected with SERPINA1-related conditions. This variant disrupts a region of the SERPINA1 protein in which other variant(s) (p.Glu387Argfs*14) have been determined to be pathogenic (PMID: 7977369, 9070606, 11334395, 22016686). This suggests that this is a clinically significant region of the protein, and that variants that disrupt it are likely to be disease-causing. For these reasons, this variant has been classified as Pathogenic.

Literature cited by the submitters: PubMed 7977369; PubMed 9070606; PubMed 11334395; PubMed 22016686.